The following is an entry in ClinVar:

NM_014822.4(SEC24D):c.2542T>C (p.Cys848Arg)

Gene: SEC24D (SEC24 homolog D, COPII component; minus strand). Cytogenetic location: 4q26.
Variant type: single nucleotide variant.
Coding change: c.2542T>C on transcript NM_014822.4 (MANE Select); coding-DNA position 2542, T replaced by C.
Protein change: p.Cys848Arg; replaces cysteine 848 with arginine.
Molecular consequence: missense variant.
Genome position (GRCh38, 1-based): chr4:118,732,867, A>G on the plus strand (T>C on the coding strand, the complement: SEC24D is on the minus strand). VCF-style: chr4-118732867-A-G. GRCh37 (hg19) VCF-style: chr4-119654022-A-G.
Other names: c.2545T>C, p.Cys849Arg (NM_001318066.2); short protein forms C848R, C849R.
Identifiers: ClinVar variation 3659469 (VCV003659469.2).

ClinVar aggregate classification (germline): Uncertain significance (1 of 4 stars; one submission).

Submission:

Labcorp Genetics (formerly Invitae), Labcorp
Classification: Uncertain significance. Last evaluated: 2024-07-24. Review status: criteria provided, single submitter. Criteria: Invitae Variant Classification Sherloc (09022015). Collection method: clinical testing. Allele origin: germline.
Comment: This sequence change replaces cysteine, which is neutral and slightly polar, with arginine, which is basic and polar, at codon 848 of the SEC24D protein (p.Cys848Arg). This variant is not present in population databases (gnomAD no frequency). This variant has not been reported in the literature in individuals affected with SEC24D-related conditions. An algorithm developed to predict the effect of missense changes on protein structure and function (PolyPhen-2) suggests that this variant is likely to be disruptive. In summary, the available evidence is currently insufficient to determine the role of this variant in disease. Therefore, it has been classified as a Variant of Uncertain Significance.